The following is an entry in ClinVar:

ClinVar aggregate classification (germline): Likely pathogenic (1 of 4 stars; one submission).

Conditions:
De Lange syndrome (CDLS). Also called: Cornelia de Lange syndrome; CDL. Identifiers: Orphanet 199, MedGen C0270972, MONDO:0016033.

gnomAD v4.1: 335 of 1,606,380 alleles (0.021%); highest among the groups gnomAD compares: African/African-American, 0.34%; no homozygotes.

Submission:

Wonkam Laboratory, Johns Hopkins University
Classification: Likely pathogenic for De Lange syndrome. Last evaluated: 2024-06-01. Review status: criteria provided, single submitter. Criteria: ACMG Guidelines, 2015. Collection method: research. Allele origin: biparental. Inheritance: Autosomal recessive inheritance. Affected: yes. Observed: 1 homozygote.
Comment: This variant was found in homozygous state in only affected individuals from the same family and segregates with the disease status (PP1); the amino acid alanine at position 222 on NM_152307.3 is highly conserved across a wide range of species (PP3); evidence from well-established functional studies showed decreased expression in product (PS3). In addition, this variant is absent from controls (or at extremely low frequency if recessive) in the Exome Sequencing Project, 1000 Genomes Project, or Exome Aggregation Consortium (PM2).

Literature cited by the submitters: PubMed 31479589.

NM_152307.3(TRMT61A):c.665C>T (p.Ala222Val)

Gene: TRMT61A (tRNA methyltransferase 61A; plus strand). Cytogenetic location: 14q32.33.
Variant type: single nucleotide variant.
Coding change: c.665C>T on transcript NM_152307.3 (MANE Select); coding-DNA position 665, C replaced by T.
Protein change: p.Ala222Val; replaces alanine 222 with valine.
Molecular consequence: missense variant.
Genome position (GRCh38, 1-based): chr14:103,534,616, C>T. VCF-style: chr14-103534616-C-T. GRCh37 (hg19) VCF-style: chr14-104000953-C-T.
Other names: short protein forms A222V.
Identifiers: ClinVar variation 3747854 (VCV003747854.2).
Genomic context (GRCh38, chr14:103,534,616, plus strand): 5'-GCTTCTGCTCCTTCTCACCGTGCATCGAGCAGGTGCAACGCACATGCCAGGCGCTGGCAG[C>T]GCGCGGCTTCTCAGAGCTGAGCACCCTGGAGGTGCTGCCACAGGTCTACAACGTGCGCAC-3'
Protein context (NP_689520.2, residues 212-232): QVQRTCQALA[Ala222Val]RGFSELSTLE